The following is an entry in ClinVar:

NM_001349338.3(FOXP1):c.216G>A (p.Gln72=)

Gene: FOXP1 (forkhead box P1; minus strand). Cytogenetic location: 3p13.
Variant type: single nucleotide variant.
Coding change: c.216G>A on transcript NM_001349338.3 (MANE Select); coding-DNA position 216, G replaced by A.
Protein change: p.Gln72=; no amino-acid change (glutamine 72 retained).
Molecular consequence: synonymous variant. On other transcripts: 5 prime UTR variant (5), non-coding transcript variant (2).
Genome position (GRCh38, 1-based): chr3:71,112,602, C>T on the plus strand (G>A on the coding strand, the complement: FOXP1 is on the minus strand). VCF-style: chr3-71112602-C-T. GRCh37 (hg19) VCF-style: chr3-71161753-C-T.
Other names: c.216G>A, p.Gln72= (NM_001244808.3, NM_001244810.2, NM_001244812.3 and 5 more transcripts); c.-85G>A (NM_001244815.2, NM_001349337.2, NM_001349342.3 and 2 more transcripts).
Identifiers: ClinVar variation 2138821 (VCV002138821.6), dbSNP rs144347581, ClinGen allele CA2491309.

ClinVar aggregate classification (germline): Likely benign. Review status: criteria provided, single submitter (1 of 4 stars). 2 submissions from 2 submitters: Likely benign (1). 1 of the submissions does not count toward it. Last evaluated 2025-07-21.

Conditions:
FOXP1-related disorder. Also called: FOXP1-related condition.

Allele frequency attached by ClinVar (database versions not stated): gnomAD 0.00006 and 0.00012; gnomAD exomes 0.00007 and 0.00018; TOPMed 0.00008 and 0.00009; ExAC 0.00010; ESP Exome Variant Server 0.00015.
gnomAD v4.1: 283 of 1,613,978 alleles (0.018%); highest among the groups gnomAD compares: Non-Finnish European, 0.023%; no homozygotes.

Submissions (2):

Labcorp Genetics (formerly Invitae), Labcorp
Classification: Likely benign. Last evaluated: 2025-07-21. Review status: criteria provided, single submitter. Criteria: Invitae Variant Classification Sherloc (09022015). Collection method: clinical testing. Allele origin: germline.

PreventionGenetics, part of Exact Sciences
Classification: Likely benign for FOXP1-related condition. Last evaluated: 2019-03-01. Review status: no assertion criteria provided. Collection method: clinical testing. Allele origin: germline. Not counted in ClinVar's aggregate classification.
Comment: This variant is classified as likely benign based on ACMG/AMP sequence variant interpretation guidelines (Richards et al. 2015 PMID: 25741868, with internal and published modifications).